The following is an entry in ClinVar:

ClinVar aggregate classification (germline): Likely pathogenic (1 of 4 stars; one submission).

Submission:

GeneDx
Classification: Likely pathogenic. Last evaluated: 2023-01-13. Review status: criteria provided, single submitter. Criteria: GeneDx Variant Classification Process June 2021. Collection method: clinical testing. Allele origin: germline. Affected: yes.
Comment: Frameshift variant predicted to result in protein truncation or nonsense mediated decay in a gene for which loss of function is a known mechanism of disease; Not observed at significant frequency in large population cohorts (gnomAD); Has not been previously published as pathogenic or benign to our knowledge

NM_001010867.4(IBA57):c.285delinsTA (p.Tyr96fs)

Gene: IBA57 (iron-sulfur cluster assembly factor IBA57; plus strand). Cytogenetic location: 1q42.13.
Variant type: Indel.
Coding change: c.285delinsTA on transcript NM_001010867.4 (MANE Select); coding-DNA position 285, C replaced by TA.
Protein change: p.Tyr96fs; shifts the reading frame from tyrosine 96.
Molecular consequence: frameshift variant.
Genome position (GRCh38, 1-based): chr1:228,166,101, C replaced by TA. VCF-style: chr1-228166101-C-TA. GRCh37 (hg19) VCF-style: chr1-228353802-C-TA.
Other names: short protein forms Y96fs.
Identifiers: ClinVar variation 2136152 (VCV002136152.1), dbSNP rs2527901415, ClinGen allele CA2580062258.